The following is an entry in ClinVar:

ClinVar aggregate classification (germline): Likely pathogenic (1 of 4 stars; one submission).

Conditions:
Hereditary cancer-predisposing syndrome. Also called: Tumor predisposition; Hereditary neoplastic syndrome; Neoplastic Syndromes, Hereditary; Hereditary Cancer Syndrome. Identifiers: Orphanet 140162, MedGen C0027672, MeSH D009386, MONDO:0015356.

Submission:

Ambry Genetics
Classification: Likely pathogenic for Hereditary cancer-predisposing syndrome. Last evaluated: 2025-04-30. Review status: criteria provided, single submitter. Criteria: Ambry Variant Classification Scheme 2023. Collection method: clinical testing. Allele origin: germline.
Comment: The p.D341Y variant (also known as c.1021G>T), located in coding exon 7 of the FH gene, results from a G to T substitution at nucleotide position 1021. The aspartic acid at codon 341 is replaced by tyrosine, an amino acid with highly dissimilar properties. This variant was reported in individual(s) with features consistent with hereditary leiomyomatosis and renal cell cancer (Rongioletti F et al. Dermatology, 2010 Nov;221:378-80). This amino acid position is highly conserved in available vertebrate species. In addition, this alteration is predicted to be deleterious by in silico analysis. This variant is considered to be rare based on population cohorts in the Genome Aggregation Database (gnomAD). Based on the majority of available evidence to date, this variant is likely to be pathogenic.

Literature cited by the submitters: PubMed 21051878.

NM_000143.4(FH):c.1021G>T (p.Asp341Tyr)

Gene: FH (fumarate hydratase; minus strand). Cytogenetic location: 1q43.
Variant type: single nucleotide variant.
Coding change: c.1021G>T on transcript NM_000143.4 (MANE Select); coding-DNA position 1021, G replaced by T.
Protein change: p.Asp341Tyr; replaces aspartic acid 341 with tyrosine.
Molecular consequence: missense variant.
Genome position (GRCh38, 1-based): chr1:241,504,129, C>A on the plus strand (G>T on the coding strand, the complement: FH is on the minus strand). VCF-style: chr1-241504129-C-A. GRCh37 (hg19) VCF-style: chr1-241667429-C-A.
Other names: short protein forms D341Y.
Identifiers: ClinVar variation 4024825 (VCV004024825.1).